The following is an entry in ClinVar:

NM_025099.6(CTC1):c.439A>G (p.Ile147Val)

Gene: CTC1 (CST telomere replication complex component 1; minus strand). Cytogenetic location: 17p13.1.
Variant type: single nucleotide variant.
Coding change: c.439A>G on transcript NM_025099.6 (MANE Select); coding-DNA position 439, A replaced by G.
Protein change: p.Ile147Val; replaces isoleucine 147 with valine.
Molecular consequence: missense variant. On other transcripts: non-coding transcript variant (1).
Genome position (GRCh38, 1-based): chr17:8,238,239, T>C on the plus strand (A>G on the coding strand, the complement: CTC1 is on the minus strand). VCF-style: chr17-8238239-T-C. GRCh37 (hg19) VCF-style: chr17-8141557-T-C.
Other names: c.439A>G, p.Ile147Val (NM_001411067.1); short protein forms I147V.
Identifiers: ClinVar variation 2990922 (VCV002990922.3), dbSNP rs772940912, ClinGen allele CA8372626.

ClinVar aggregate classification (germline): Uncertain significance (1 of 4 stars; one submission).

Conditions:
Dyskeratosis congenita. Identifiers: Orphanet 1775, MedGen C0265965, MONDO:0015780.

Allele frequency attached by ClinVar (database versions not stated): gnomAD exomes below 0.00001; ExAC 0.00002.
gnomAD v4.1: 4 of 1,603,140 alleles (0.00025%); highest among the groups gnomAD compares: Admixed American, 0.0034%; no homozygotes.

Submission:

Labcorp Genetics (formerly Invitae), Labcorp
Classification: Uncertain significance for Dyskeratosis congenita. Last evaluated: 2025-02-06. Review status: criteria provided, single submitter. Criteria: Invitae Variant Classification Sherloc (09022015). Collection method: clinical testing. Allele origin: germline.
Comment: This sequence change replaces isoleucine, which is neutral and non-polar, with valine, which is neutral and non-polar, at codon 147 of the CTC1 protein (p.Ile147Val). This variant is present in population databases (rs772940912, gnomAD 0.006%). This variant has not been reported in the literature in individuals affected with CTC1-related conditions. ClinVar contains an entry for this variant (Variation ID: 2990922). Invitae Evidence Modeling of protein sequence and biophysical properties (such as structural, functional, and spatial information, amino acid conservation, physicochemical variation, residue mobility, and thermodynamic stability) indicates that this missense variant is not expected to disrupt CTC1 protein function with a negative predictive value of 80%. In summary, the available evidence is currently insufficient to determine the role of this variant in disease. Therefore, it has been classified as a Variant of Uncertain Significance.